The following is an entry in ClinVar:

NM_007194.4(CHEK2):c.1164C>T (p.Pro388=)

Gene: CHEK2 (checkpoint kinase 2; minus strand). Cytogenetic location: 22q12.1.
Variant type: single nucleotide variant.
Coding change: c.1164C>T on transcript NM_007194.4 (MANE Select); coding-DNA position 1164, C replaced by T.
Protein change: p.Pro388=; no amino-acid change (proline 388 retained).
Molecular consequence: synonymous variant.
Genome position (GRCh38, 1-based): chr22:28,695,805, G>A on the plus strand (C>T on the coding strand, the complement: CHEK2 is on the minus strand). VCF-style: chr22-28695805-G-A. GRCh37 (hg19) VCF-style: chr22-29091793-G-A.
Other names: c.1293C>T, p.Pro431= (NM_001005735.3); c.501C>T, p.Pro167= (NM_001257387.3); c.963C>T, p.Pro321= (NM_001349956.3); c.1077C>T, p.Pro359= (NM_145862.3).
Identifiers: ClinVar variation 240729 (VCV000240729.14), dbSNP rs878854911, ClinGen allele CA10583901.
Genomic context (GRCh38, chr22:28,695,805, plus strand): 5'-CACAGCACGGTTATACCCAGCAGTCCCAACAGAAACAAGAACTTCAGGCGCCAAGTAGGT[G>A]GGGGTTCCACATAAGGTTCTCATGAGAGAGGTCTCTCCCAAAATCTTGGAGTGCCCAAAA-3'
Protein context (NP_009125.1, residues 378-398): TSLMRTLCGT[Pro388=]TYLAPEVLVS

ClinVar aggregate classification (germline): Benign/Likely benign. Review status: criteria provided, multiple submitters, no conflicts (2 of 4 stars). 4 submissions from 4 submitters: Benign (1); Likely benign (3). Last evaluated 2025-10-29.

Conditions:
Hereditary cancer-predisposing syndrome. Also called: Tumor predisposition; Neoplastic Syndromes, Hereditary; Hereditary Cancer Syndrome; Hereditary neoplastic syndrome. Identifiers: Orphanet 140162, MedGen C0027672, MeSH D009386, MONDO:0015356.
Familial cancer of breast. Also called: Hereditary breast cancer; BREAST CANCER, FAMILIAL; hereditary breast carcinoma. Identifiers: Orphanet 227535, MedGen C0346153, MONDO:0016419, OMIM 114480. Disease mechanism: loss of function.

Submissions (4):

Ambry Genetics
Classification: Likely benign for Hereditary cancer-predisposing syndrome. Last evaluated: 2025-10-29. Review status: criteria provided, single submitter. Criteria: Ambry Variant Classification Scheme 2023. Collection method: clinical testing. Allele origin: germline.

Myriad Genetics, Inc.
Classification: Benign for Familial cancer of breast. Last evaluated: 2024-10-07. Review status: criteria provided, single submitter. Criteria: Myriad Autosomal Dominant, Autosomal Recessive and X-Linked Classification Criteria (2023). Collection method: clinical testing. Allele origin: unknown.
Comment: This variant is considered benign. This variant is a silent/synonymous amino acid change and it is not expected to impact splicing.

Color Diagnostics, LLC DBA Color Health
Classification: Likely benign for Hereditary cancer-predisposing syndrome. Last evaluated: 2021-08-23. Review status: criteria provided, single submitter. Criteria: ACMG Guidelines, 2015. Collection method: clinical testing. Allele origin: germline.

Labcorp Genetics (formerly Invitae), Labcorp
Classification: Likely benign for Familial cancer of breast. Last evaluated: 2015-12-27. Review status: criteria provided, single submitter. Criteria: Invitae Variant Classification Sherloc (09022015). Collection method: clinical testing. Allele origin: germline.